The following is an entry in ClinVar:

ClinVar aggregate classification (germline): Uncertain significance (1 of 4 stars; one submission).

Conditions:
Mosaic variegated aneuploidy syndrome. Also called: MVA SYNDROME. Identifiers: Orphanet 1052, MedGen C4551972, MONDO:0000141.

Submission:

Labcorp Genetics (formerly Invitae), Labcorp
Classification: Uncertain significance for Mosaic variegated aneuploidy syndrome. Last evaluated: 2018-04-10. Review status: criteria provided, single submitter. Criteria: Invitae Variant Classification Sherloc (09022015). Collection method: clinical testing. Allele origin: germline.
Comment: A gross duplication of the genomic region encompassing the full coding sequence of the BUB1B gene has been identified. The boundaries of this event are unknown as the duplication extends beyond the assayed region for this gene and therefore may encompass additional genes. As the precise location of this duplication is unknown, it may be in tandem or it may be located elsewhere in the genome. This variant has not been reported in the literature in individuals with BUB1B-related disease. In summary, the available evidence is currently insufficient to determine the role of this variant in disease. Therefore, it has been classified as a Variant of Uncertain Significance.

NC_000015.9:g.(?_40453416)_(40512966_?)dup

Genes: BUB1B (BUB1 mitotic checkpoint serine/threonine kinase B; plus strand), BUB1B-PAK6 (BUB1B-PAK6 readthrough; plus strand), LOC129390686 (MPRA-validated peak2300 silencer; plus strand), LOC130056830 (ATAC-STARR-seq lymphoblastoid active region 9236; plus strand), LOC130056831 (ATAC-STARR-seq lymphoblastoid active region 9237; plus strand). Cytogenetic location: 15q15.1.
Variant type: Duplication.
Identifiers: ClinVar variation 583743 (VCV000583743.2).